The following is an entry in ClinVar:

ClinVar aggregate classification (germline): Benign (1 of 4 stars; one submission).

Conditions:
Seizures, benign familial infantile, 3 (BFIS3). Also called: CONVULSIONS, BENIGN FAMILIAL INFANTILE, 3; Familial neonatal seizures. Identifiers: Orphanet 140927, Orphanet 306, MedGen C1843140, MONDO:0011904, OMIM 607745.

Allele frequency attached by ClinVar (database versions not stated): TOPMed 0.00002; 1000 Genomes Project 30x 0.00062; 1000 Genomes Project 0.00080; gnomAD 0.00180 and 0.00195; gnomAD exomes 0.01152.
gnomAD v4.1: 275 of 152,706 alleles (0.18%); highest among the groups gnomAD compares: Non-Finnish European, 0.025%; 4 homozygotes.

Submission:

Illumina Laboratory Services, Illumina
Classification: Benign for Seizures, benign familial infantile, 3. Last evaluated: 2018-01-13. Review status: criteria provided, single submitter. Criteria: ICSL Variant Classification Criteria 13 December 2019. Collection method: clinical testing. Allele origin: germline.
Comment: This variant was observed in the ICSL laboratory as part of a predisposition screen in an ostensibly healthy population. It had not been previously curated by ICSL or reported in the Human Gene Mutation Database (HGMD: prior to June 1st, 2018), and was therefore a candidate for classification through an automated scoring system. Utilizing variant allele frequency, disease prevalence and penetrance estimates, and inheritance mode, an automated score was calculated to assess if this variant is too frequent to cause the disease. Based on the score and internal cut-off values, a variant classified as benign is not then subjected to further curation. The score for this variant resulted in a classification of benign for this disease.

NM_001040142.2(SCN2A):c.*1056T>C

Gene: SCN2A (sodium voltage-gated channel alpha subunit 2; plus strand). Cytogenetic location: 2q24.3.
Variant type: single nucleotide variant.
Coding change: c.*1056T>C on transcript NM_001040142.2 (MANE Select); 1056 bases downstream of the stop codon, T replaced by C.
Molecular consequence: 3 prime UTR variant.
Genome position (GRCh38, 1-based): chr2:165,390,880, T>C. VCF-style: chr2-165390880-T-C. GRCh37 (hg19) VCF-style: chr2-166247390-T-C.
Other names: c.*1056T>C (NM_001040143.2, NM_001371246.1, NM_001371247.1 and 1 more transcripts).
Identifiers: ClinVar variation 894397 (VCV000894397.4), dbSNP rs184628337, ClinGen allele CA59754330.